The following is an entry in ClinVar:

NM_000179.3(MSH6):c.3647-1G>A

Gene: MSH6 (mutS homolog 6; plus strand). Cytogenetic location: 2p16.3.
Variant type: single nucleotide variant.
Coding change: c.3647-1G>A on transcript NM_000179.3 (MANE Select); the canonical splice acceptor site of the intron before coding-DNA position 3647, G replaced by A.
Molecular consequence: splice acceptor variant.
Genome position (GRCh38, 1-based): chr2:47,806,203, G>A. VCF-style: chr2-47806203-G-A. GRCh37 (hg19) VCF-style: chr2-48033342-G-A.
Other names: c.3647-1G>A (NM_001406809.1, NM_001406796.1, NM_001406808.1 and 1 more transcripts); c.2741-1G>A (NM_001406811.1, NM_001406814.1, NM_001281493.2 and 6 more transcripts); c.3350-1G>A (NM_001406805.1, NM_001406797.1, NM_001406801.1 and 10 more transcripts); c.3743-1G>A (NM_001406795.1, NM_001406802.1); c.3653-1G>A (NM_001406813.1); c.3122-1G>A (NM_001406807.1, NM_001406799.1, NM_001406806.1); c.3473-1G>A (NM_001406798.1); c.2783-1G>A (NM_001406803.1); and 7 more.
Identifiers: ClinVar variation 89434 (VCV000089434.50), dbSNP rs587779279, ClinGen allele CA013645.

ClinVar aggregate classification (germline): Pathogenic. Review status: reviewed by expert panel (3 of 4 stars). 12 submissions from 12 submitters: Pathogenic (1). 11 of the submissions do not count toward it. Last evaluated 2013-09-05.

Conditions:
Hereditary nonpolyposis colorectal neoplasms. Identifiers: MedGen C0009405, MeSH D003123.
Hereditary cancer-predisposing syndrome. Also called: Hereditary Cancer Syndrome; Tumor predisposition; Neoplastic Syndromes, Hereditary; Hereditary neoplastic syndrome. Identifiers: Orphanet 140162, MedGen C0027672, MeSH D009386, MONDO:0015356.
Lynch syndrome. Identifiers: Orphanet 144, MedGen C4552100, MONDO:0005835. Disease mechanism: loss of function.
Lynch syndrome 5 (LYNCH5). Also called: Hereditary non-polyposis colorectal cancer, type 5; Colorectal cancer, hereditary nonpolyposis, type 5. Identifiers: Orphanet 144, MedGen C1833477, MONDO:0013710, OMIM 614350. Disease mechanism: loss of function.

Submissions (12):

International Society for Gastrointestinal Hereditary Tumours (InSiGHT)
Classification: Pathogenic for Lynch Syndrome. Last evaluated: 2013-09-05. Review status: reviewed by expert panel. Criteria: Guidelines v1.9. Collection method: research. Allele origin: germline.
Comment: Multifactorial likelihood analysis posterior probability >0.99

Classified with v1.9 guidelines

Center for Genomic Medicine, Rigshospitalet, Copenhagen University Hospital
Classification: Pathogenic. Last evaluated: 2025-12-29. Review status: criteria provided, single submitter. Criteria: ACMG Guidelines, 2015. Collection method: clinical testing. Allele origin: germline. Not counted in ClinVar's aggregate classification.

Labcorp Genetics (formerly Invitae), Labcorp
Classification: Pathogenic for Hereditary nonpolyposis colorectal neoplasms. Last evaluated: 2025-12-24. Review status: criteria provided, single submitter. Criteria: Invitae Variant Classification Sherloc (09022015). Collection method: clinical testing. Allele origin: germline. Not counted in ClinVar's aggregate classification.
Comment: This sequence change affects an acceptor splice site in intron 7 of the MSH6 gene. It is expected to disrupt RNA splicing. Variants that disrupt the donor or acceptor splice site typically lead to a loss of protein function (PMID: 16199547), and loss-of-function variants in MSH6 are known to be pathogenic (PMID: 18269114, 24362816). This variant is not present in population databases (gnomAD no frequency). Disruption of this splice site has been observed in individual(s) with Lynch syndrome (PMID: 18566915, 21836479). It has also been observed to segregate with disease in related individuals. Invitae Evidence Modeling of clinical and family history, age, sex, and reported ancestry of multiple individuals with this MSH6 variant has been performed. This variant is expected to be pathogenic with a positive predictive value of at least 99%. This is a validated machine learning model that incorporates the clinical features of 1,627,235 individuals referred to our laboratory for MSH6 testing. ClinVar contains an entry for this variant (Variation ID: 89434). Studies have shown that disruption of this splice site is associated with inconclusive levels of altered splicing (internal data). For these reasons, this variant has been classified as Pathogenic.

Color Diagnostics, LLC DBA Color Health
Classification: Pathogenic for Hereditary cancer-predisposing syndrome. Last evaluated: 2025-06-23. Review status: criteria provided, single submitter. Criteria: ACMG Guidelines, 2015. Collection method: clinical testing. Allele origin: germline. Not counted in ClinVar's aggregate classification.
Comment: This variant causes a G>A nucleotide substitution at the -1 position of intron 7 of the MSH6 gene. Splice site prediction tools suggest that this variant may have a significant impact on RNA splicing. Although this prediction has not been confirmed in published RNA studies, this variant is expected to result in an absent or disrupted protein product. This variant has been reported in over ten individuals affected with Lynch syndrome (PMID: 18566915, 21836479, 22495361, 25980754), including 6 affected individuals from 2 families whose tumors showing microsatellite instability (PMID: 21836479). This variant has also been observed in individuals affected with breast cancer, glioblastoma and prostate cancer (PMID: 19575290, 25648859, 27013479). This variant has not been identified in the general population by the Genome Aggregation Database (gnomAD). A different variant occurring at the same splice acceptor site, c.3647-2A>C, is reported as disease-causing (ClinVar variation ID: variation). Loss of MSH6 function is a known mechanism of disease. Based on available evidence, this variant is classified as Pathogenic.

Department of Clinical Genetics, Copenhagen University Hospital, Rigshospitalet
Classification: Pathogenic for Lynch syndrome. Last evaluated: 2025-02-04. Review status: criteria provided, single submitter. Criteria: ACMG Guidelines, 2015. Collection method: clinical testing. Allele origin: germline. Not counted in ClinVar's aggregate classification.
Comment: PVS1; PM2_SUP; PP4; PS4_SUP

CeGaT Center for Human Genetics Tuebingen
Classification: Pathogenic. Last evaluated: 2024-11-01. Review status: criteria provided, single submitter. Criteria: CeGaT Center For Human Genetics Tuebingen Variant Classification Criteria Version 2. Collection method: clinical testing. Allele origin: germline. Affected: yes. Observed: 1 variant allele. Not counted in ClinVar's aggregate classification.
Comment: MSH6: PVS1, PM2, PS4:Moderate

Ambry Genetics
Classification: Pathogenic for Hereditary cancer-predisposing syndrome. Last evaluated: 2024-10-28. Review status: criteria provided, single submitter. Criteria: Ambry Variant Classification Scheme 2023. Collection method: clinical testing. Allele origin: germline. Not counted in ClinVar's aggregate classification.
Comment: The c.3647-1G>A intronic pathogenic mutation results from a G to A substitution one nucleotide upstream from coding exon 8 of the MSH6 gene. This variant has been identified in probands whose Lynch syndrome-associated tumor demonstrated high microsatellite instability and/or loss of MSH6 expression by immunohistochemistry (Klarskov L et al Am. J. Surg. Pathol. 2011 Sep;35(9):1391-9; Okkels H et al Appl. Immunohistochem. Mol. Morphol. 2012;20(5):470-7). In silico splice site analysis predicts that this alteration will weaken the native splice acceptor site and may result in the creation or strengthening of a novel splice acceptor site; however, direct evidence is insufficient at this time (Ambry internal data). In addition to the clinical data presented in the literature, alterations that disrupt the canonical splice site are expected to cause aberrant splicing, resulting in an abnormal protein or a transcript that is subject to nonsense-mediated mRNA decay. As such, this alteration is classified as a disease-causing mutation.

Myriad Genetics, Inc.
Classification: Likely pathogenic for Lynch syndrome 5. Last evaluated: 2023-08-24. Review status: criteria provided, single submitter. Criteria: Myriad Autosomal Dominant, Autosomal Recessive and X-Linked Classification Criteria (2023). Collection method: clinical testing. Allele origin: unknown. Not counted in ClinVar's aggregate classification.
Comment: This variant is considered likely pathogenic. This variant occurs within a consensus splice junction and is predicted to result in abnormal mRNA splicing of either an out-of-frame exon or an in-frame exon necessary for protein stability and/or normal function.

Centre for Mendelian Genomics, University Medical Centre Ljubljana
Classification: Pathogenic for Lynch syndrome 5. Last evaluated: 2022-12-09. Review status: criteria provided, single submitter. Criteria: ACMG Guidelines, 2015. Collection method: research. Allele origin: germline. Affected: no. Not counted in ClinVar's aggregate classification.
Comment: PVS1, PS4_MOD, PM2_SUP, PP1

Revvity Omics, Revvity
Classification: Pathogenic. Last evaluated: 2019-02-01. Review status: criteria provided, single submitter. Criteria: ACMG Guidelines, 2015. Collection method: clinical testing. Allele origin: germline. Not counted in ClinVar's aggregate classification.

Diagnostic Laboratory, Department of Genetics, University Medical Center Groningen
Classification: Pathogenic. Review status: no assertion criteria provided. Collection method: clinical testing. Allele origin: germline. Affected: yes. Study: VKGL Data-share Consensus. Not counted in ClinVar's aggregate classification.

Laboratory of Diagnostic Genome Analysis, Leiden University Medical Center (LUMC)
Classification: Pathogenic. Review status: no assertion criteria provided. Collection method: clinical testing. Allele origin: germline. Affected: yes. Study: VKGL Data-share Consensus. Not counted in ClinVar's aggregate classification.

Literature cited by the submitters: PubMed 18566915 (cited by 4 submitters); PubMed 22495361 (cited by 4 submitters); PubMed 25648859 (cited by 3 submitters); PubMed 16199547 (cited by Labcorp Genetics (formerly Invitae), Labcorp); PubMed 18269114 (cited by Labcorp Genetics (formerly Invitae), Labcorp); PubMed 24362816 (cited by Labcorp Genetics (formerly Invitae), Labcorp); PubMed 21836479 (cited by 4 submitters); PubMed 19575290 (cited by Color Diagnostics, LLC DBA Color Health and Ambry Genetics); PubMed 25980754 (cited by Color Diagnostics, LLC DBA Color Health and Ambry Genetics); PubMed 27013479 (cited by Color Diagnostics, LLC DBA Color Health and Ambry Genetics).